The following is an entry in ClinVar:

NM_006846.4(SPINK5):c.2667-15_2667-14dup

Gene: SPINK5 (serine peptidase inhibitor Kazal type 5; plus strand). Cytogenetic location: 5q32.
Variant type: Duplication.
Coding change: c.2667-15_2667-14dup on transcript NM_006846.4 (MANE Select); 15 bases into the intron before coding-DNA position 2667 through 14 bases into the intron before coding-DNA position 2667, 2 bases duplicated (TT; older notation c.2667-15_2667-14dupTT).
Molecular consequence: intron variant.
Genome position (GRCh38, 1-based): chr5:148,124,750-148,124,751, TT duplicated; duplicating any 2 consecutive bases within chr5:148,124,743-148,124,751 gives the same sequence; the c. name uses the placement nearest the transcript's 3' end. VCF-style (leftmost placement, unchanged base first): chr5-148124742-C-CTT. GRCh37 (hg19) VCF-style: chr5-147504305-C-CTT.
Other names: c.2667-15_2667-14dup (NM_001127698.2, NM_001127699.2).
Identifiers: ClinVar variation 1242965 (VCV001242965.4), dbSNP rs3036731, ClinGen allele CA3496066.

ClinVar aggregate classification (germline): Benign. Review status: criteria provided, multiple submitters, no conflicts (2 of 4 stars). 2 submissions from 2 submitters: Benign (2). Last evaluated 2024-01-24.

Submissions (2):

Unidad de Genómica Garrahan, Hospital de Pediatría Garrahan
Classification: Benign. Last evaluated: 2024-01-24. Review status: criteria provided, single submitter. Criteria: ACMG Guidelines, 2015. Collection method: clinical testing. Allele origin: germline. Affected: no. Observed: 39 variant alleles.
Comment: This variant is classified as Benign based on local population frequency. This variant was detected in 41% of patients studied by a panel of primary immunodeficiencies. Number of patients: 39. Only high quality variants are reported.

GeneDx
Classification: Benign. Last evaluated: 2018-08-07. Review status: criteria provided, single submitter. Criteria: GeneDx Variant Classification Process June 2021. Collection method: clinical testing. Allele origin: germline. Affected: yes.